The following is an entry in ClinVar:

ClinVar aggregate classification (germline): Uncertain significance (1 of 4 stars; one submission).

Submission:

Labcorp Genetics (formerly Invitae), Labcorp
Classification: Uncertain significance. Last evaluated: 2023-03-29. Review status: criteria provided, single submitter. Criteria: Invitae Variant Classification Sherloc (09022015). Collection method: clinical testing. Allele origin: germline.
Comment: In summary, the available evidence is currently insufficient to determine the role of this variant in disease. Therefore, it has been classified as a Variant of Uncertain Significance. An algorithm developed to predict the effect of missense changes on protein structure and function (PolyPhen-2) suggests that this variant is likely to be disruptive. This variant has not been reported in the literature in individuals affected with RINT1-related conditions. This variant is not present in population databases (gnomAD no frequency). This sequence change replaces arginine, which is basic and polar, with isoleucine, which is neutral and non-polar, at codon 437 of the RINT1 protein (p.Arg437Ile).

NM_021930.6(RINT1):c.1310G>T (p.Arg437Ile)

Gene: RINT1 (RAD50 interactor 1; plus strand). Cytogenetic location: 7q22.3.
Variant type: single nucleotide variant.
Coding change: c.1310G>T on transcript NM_021930.6 (MANE Select); coding-DNA position 1310, G replaced by T.
Protein change: p.Arg437Ile; replaces arginine 437 with isoleucine.
Molecular consequence: missense variant. On other transcripts: non-coding transcript variant (1).
Genome position (GRCh38, 1-based): chr7:105,550,463, G>T. VCF-style: chr7-105550463-G-T. GRCh37 (hg19) VCF-style: chr7-105190910-G-T.
Other names: c.1076G>T, p.Arg359Ile (NM_001346599.2); c.287G>T, p.Arg96Ile (NM_001346600.2, NM_001346603.2); c.386G>T, p.Arg129Ile (NM_001346601.2); short protein forms R359I, R129I, R437I, R96I.
Identifiers: ClinVar variation 2850591 (VCV002850591.3), dbSNP rs758182035, ClinGen allele CA368809422.
Genomic context (GRCh38, chr7:105,550,463, plus strand): 5'-GCTATCCTGGCACTTTTGCTAGTTGTATGCATATTCTATCAGAGGAAACCTGTTTTCAGA[G>T]ATGGTTGACGGTGGAGAGAAAATGTAAGTGCTGATGTGGCCAGATGGTAGGGAGATATGT-3'
Protein context (NP_068749.3, residues 427-447): HILSEETCFQ[Arg437Ile]WLTVERKFAL